The following is an entry in ClinVar:

NM_001162501.2(TNRC6B):c.2247G>C (p.Trp749Cys)

Gene: TNRC6B (trinucleotide repeat containing adaptor 6B; plus strand). Cytogenetic location: 22q13.1.
Variant type: single nucleotide variant.
Coding change: c.2247G>C on transcript NM_001162501.2 (MANE Select); coding-DNA position 2247, G replaced by C.
Protein change: p.Trp749Cys; replaces tryptophan 749 with cysteine.
Molecular consequence: missense variant. On other transcripts: intron variant (1).
Genome position (GRCh38, 1-based): chr22:40,266,477, G>C. VCF-style: chr22-40266477-G-C. GRCh37 (hg19) VCF-style: chr22-40662481-G-C.
Other names: c.2247G>C, p.Trp749Cys (NM_015088.3); c.566-3645G>C (NM_001024843.2); short protein forms W749C.
Identifiers: ClinVar variation 3033062 (VCV003033062.2), dbSNP rs200598254, ClinGen allele CA10246805.

ClinVar aggregate classification (germline): Likely benign (0 of 4 stars; one submission).

Conditions:
TNRC6B-related disorder. Also called: TNRC6B-related condition.

Allele frequency attached by ClinVar (database versions not stated): TOPMed 0.00004.
gnomAD v4.1: 74 of 1,613,674 alleles (0.0046%); highest among the groups gnomAD compares: Admixed American, 0.0083%; no homozygotes.

Submission:

PreventionGenetics, part of Exact Sciences
Classification: Likely benign for TNRC6B-related condition. Last evaluated: 2022-12-02. Review status: no assertion criteria provided. Collection method: clinical testing. Allele origin: germline.
Comment: This variant is classified as likely benign based on ACMG/AMP sequence variant interpretation guidelines (Richards et al. 2015 PMID: 25741868, with internal and published modifications).